The following is an entry in ClinVar:

ClinVar aggregate classification (germline): Conflicting classifications of pathogenicity. Review status: criteria provided, conflicting classifications (1 of 4 stars). 7 submissions from 4 submitters: Uncertain significance (6); Likely benign (1). Last evaluated 2023-11-17.

Conditions:
Retinal dystrophy. Also called: Inherited retinal dystrophy. Identifiers: Orphanet 71862, MedGen C0854723, MeSH D058499, MONDO:0019118, HP:0000556.
Retinitis pigmentosa (RP). Identifiers: Orphanet 791, MedGen C0035334, MeSH D012174, MONDO:0019200, OMIM 268000. Inheritance: Autosomal dominant, autosomal recessive and X linked inheritance.
Cone-rod dystrophy 12 (CORD12). Identifiers: Orphanet 1872, MedGen C2675210, MONDO:0012983, OMIM 612657.
Retinal macular dystrophy type 2 (MCDR2). Also called: Bull's eye macular dystrophy. Identifiers: Orphanet 319640, MedGen C4749334, MONDO:0011957, OMIM 608051.
Stargardt disease 4 (STGD4). Identifiers: Orphanet 827, MedGen C1863534, MONDO:0011370, OMIM 603786.

Allele frequency attached by ClinVar (database versions not stated): gnomAD 0.00001 and 0.00003; TOPMed 0.00002; 1000 Genomes Project 30x 0.00016; 1000 Genomes Project 0.00020.
gnomAD v4.1: 98 of 1,600,006 alleles (0.0061%); highest among the groups gnomAD compares: East Asian, 0.21%; no homozygotes.

Submissions (7):

Labcorp Genetics (formerly Invitae), Labcorp
Classification: Uncertain significance. Last evaluated: 2023-11-17. Review status: criteria provided, single submitter. Criteria: Invitae Variant Classification Sherloc (09022015). Collection method: clinical testing. Allele origin: germline.
Comment: This sequence change replaces valine, which is neutral and non-polar, with methionine, which is neutral and non-polar, at codon 236 of the PROM1 protein (p.Val236Met). This variant is present in population databases (rs536161084, gnomAD 0.03%). This variant has not been reported in the literature in individuals affected with PROM1-related conditions. ClinVar contains an entry for this variant (Variation ID: 901286). Advanced modeling of protein sequence and biophysical properties (such as structural, functional, and spatial information, amino acid conservation, physicochemical variation, residue mobility, and thermodynamic stability) performed at Invitae indicates that this missense variant is not expected to disrupt PROM1 protein function with a negative predictive value of 80%. In summary, the available evidence is currently insufficient to determine the role of this variant in disease. Therefore, it has been classified as a Variant of Uncertain Significance.

Dept Of Ophthalmology, Nagoya University
Classification: Likely benign for Retinal dystrophy. Last evaluated: 2023-10-01. Review status: criteria provided, single submitter. Criteria: Submitter's publication. Collection method: research. Allele origin: germline. Affected: yes.

Blueprint Genetics
Classification: Uncertain significance. Last evaluated: 2019-05-31. Review status: criteria provided, single submitter. Criteria: ACMG Guidelines, 2015. Collection method: clinical testing. Allele origin: germline.

Illumina Laboratory Services, Illumina
Classification: Uncertain significance for Retinitis pigmentosa. Last evaluated: 2018-01-13. Review status: criteria provided, single submitter. Criteria: ICSL Variant Classification Criteria 13 December 2019. Collection method: clinical testing. Allele origin: germline.

Illumina Laboratory Services, Illumina
Classification: Uncertain significance for Cone-rod dystrophy 12. Last evaluated: 2018-01-13. Review status: criteria provided, single submitter. Criteria: ICSL Variant Classification Criteria 13 December 2019. Collection method: clinical testing. Allele origin: germline.

Illumina Laboratory Services, Illumina
Classification: Uncertain significance for Stargardt disease 4. Last evaluated: 2018-01-13. Review status: criteria provided, single submitter. Criteria: ICSL Variant Classification Criteria 13 December 2019. Collection method: clinical testing. Allele origin: germline.

Illumina Laboratory Services, Illumina
Classification: Uncertain significance for Retinal macular dystrophy type 2. Last evaluated: 2018-01-13. Review status: criteria provided, single submitter. Criteria: ICSL Variant Classification Criteria 13 December 2019. Collection method: clinical testing. Allele origin: germline.

NM_006017.3(PROM1):c.706G>A (p.Val236Met)

Gene: PROM1 (prominin 1; minus strand). Cytogenetic location: 4p15.32.
Variant type: single nucleotide variant.
Coding change: c.706G>A on transcript NM_006017.3 (MANE Select); coding-DNA position 706, G replaced by A.
Protein change: p.Val236Met; replaces valine 236 with methionine.
Molecular consequence: missense variant.
Genome position (GRCh38, 1-based): chr4:16,023,404, C>T on the plus strand (G>A on the coding strand, the complement: PROM1 is on the minus strand). VCF-style: chr4-16023404-C-T. GRCh37 (hg19) VCF-style: chr4-16025027-C-T.
Other names: c.679G>A, p.Val227Met (NM_001145847.2, NM_001145848.2, NM_001145851.2 and 4 more transcripts); c.706G>A, p.Val236Met (NM_001145849.2, NM_001145850.2); short protein forms V227M, V236M.
Identifiers: ClinVar variation 901286 (VCV000901286.15), dbSNP rs536161084, ClinGen allele CA2866978.